The following is an entry in ClinVar:

NM_001184880.2(PCDH19):c.1855C>T (p.Gln619Ter)

Gene: PCDH19 (protocadherin 19; minus strand). Cytogenetic location: Xq22.1.
Variant type: single nucleotide variant.
Coding change: c.1855C>T on transcript NM_001184880.2 (MANE Select); coding-DNA position 1855, C replaced by T.
Protein change: p.Gln619Ter; replaces glutamine 619 with a stop codon.
Molecular consequence: nonsense.
Genome position (GRCh38, 1-based): chrX:100,406,743, G>A on the plus strand (C>T on the coding strand, the complement: PCDH19 is on the minus strand). VCF-style: chrX-100406743-G-A. GRCh37 (hg19) VCF-style: chrX-99661741-G-A.
Other names: p.Q619*:CAG>TAG; c.1855C>T, p.Gln619Ter (NM_001105243.2, NM_020766.3); short protein forms Q619*.
Identifiers: ClinVar variation 206338 (VCV000206338.7), dbSNP rs796052820, ClinGen allele CA316368.

ClinVar aggregate classification (germline): Pathogenic. Review status: criteria provided, multiple submitters, no conflicts (2 of 4 stars). 2 submissions from 2 submitters: Pathogenic (2). Last evaluated 2025-01-24.

Conditions:
Developmental and epileptic encephalopathy, 9 (DEE9). Also called: EPILEPSY, FEMALE-RESTRICTED, WITH MENTAL RETARDATION; Early infantile epileptic encephalopathy 9; JUBERG-HELLMAN SYNDROME; PCDH19-Related X-Linked Female-Limited Epilepsy with Mental Retardation. Identifiers: Orphanet 101039, Orphanet 2076, MedGen C1848137, MONDO:0010246, OMIM 300088. Disease mechanism: loss of function.

Submissions (2):

GeneDx
Classification: Pathogenic. Last evaluated: 2025-01-24. Review status: criteria provided, single submitter. Criteria: GeneDx Variant Classification Process June 2021. Collection method: clinical testing. Allele origin: germline. Affected: yes.
Comment: De novo variant with or without confirmed parentage in patients with epilepsy previously tested at GeneDx (PMID: 29655203); Nonsense variant predicted to result in protein truncation or nonsense mediated decay in a gene for which loss of function is a known mechanism of disease; Not observed at significant frequency in large population cohorts (gnomAD); This variant is associated with the following publications: (PMID: 29655203)

Labcorp Genetics (formerly Invitae), Labcorp
Classification: Pathogenic for Developmental and epileptic encephalopathy, 9. Last evaluated: 2023-11-18. Review status: criteria provided, single submitter. Criteria: Invitae Variant Classification Sherloc (09022015). Collection method: clinical testing. Allele origin: germline.
Comment: This sequence change creates a premature translational stop signal (p.Gln619*) in the PCDH19 gene. It is expected to result in an absent or disrupted protein product. Loss-of-function variants in PCDH19 are known to be pathogenic (PMID: 21053371). This variant is not present in population databases (gnomAD no frequency). This premature translational stop signal has been observed in individual(s) with epilepsy and neurodevelopmental disorder (PMID: 29655203). ClinVar contains an entry for this variant (Variation ID: 206338). For these reasons, this variant has been classified as Pathogenic.

Literature cited by the submitters: PubMed 21053371 (cited by Labcorp Genetics (formerly Invitae), Labcorp); PubMed 29655203 (cited by Labcorp Genetics (formerly Invitae), Labcorp).